The following is an entry in ClinVar:

NM_001797.4(CDH11):c.764C>T (p.Thr255Met)

Gene: CDH11 (cadherin 11; minus strand). Cytogenetic location: 16q21.
Variant type: single nucleotide variant.
Coding change: c.764C>T on transcript NM_001797.4 (MANE Select); coding-DNA position 764, C replaced by T.
Protein change: p.Thr255Met; replaces threonine 255 with methionine.
Molecular consequence: missense variant.
Genome position (GRCh38, 1-based): chr16:64,991,815, G>A on the plus strand (C>T on the coding strand, the complement: CDH11 is on the minus strand). VCF-style: chr16-64991815-G-A. GRCh37 (hg19) VCF-style: chr16-65025718-G-A.
Other names: c.764C>T, p.Thr255Met (NM_001308392.2); c.386C>T, p.Thr129Met (NM_001330576.2); c.764C>T (NM_001797.3); short protein forms T129M, T255M.
Identifiers: ClinVar variation 1192583 (VCV001192583.6), dbSNP rs35195, ClinGen allele CA8092317.

ClinVar aggregate classification (germline): Benign. Review status: criteria provided, multiple submitters, no conflicts (2 of 4 stars). 5 submissions from 4 submitters: Benign (3). 2 of the submissions do not count toward it. Last evaluated 2021-07-14.

Conditions:
Elsahy-Waters syndrome. Also called: BSG SYNDROME; Hypospadias, hypertelorism, upper lid coloboma, and mixed-type hearing loss. Identifiers: Orphanet 1299, Orphanet 157788, MedGen C0809936, MONDO:0008885, OMIM 211380.
Gastric cancer. Also called: Malignant tumor of stomach; Stomach cancer. Identifiers: MedGen C0024623, MeSH D013274, MONDO:0001056, OMIM 613659, HP:0012126.
Triple-negative breast cancer. Identifiers: MedGen C3539878.

Allele frequency attached by ClinVar (database versions not stated): 1000 Genomes Project 30x 0.18036; 1000 Genomes Project 0.18151; TOPMed 0.24223; gnomAD 0.24752 and 0.24798; ESP Exome Variant Server 0.26011; gnomAD exomes 0.27100; ExAC 0.27277.
gnomAD v4.1: 514,650 of 1,612,184 alleles (32%); highest among the groups gnomAD compares: Non-Finnish European, 36%; 87,602 homozygotes.

Submissions (5):

Genome-Nilou Lab
Classification: Benign for Elsahy-Waters syndrome. Last evaluated: 2021-07-14. Review status: criteria provided, single submitter. Criteria: ACMG Guidelines, 2015. Collection method: clinical testing. Allele origin: germline. Affected: no.

GeneDx
Classification: Benign. Last evaluated: 2021-03-30. Review status: criteria provided, single submitter. Criteria: GeneDx Variant Classification Process June 2021. Collection method: clinical testing. Allele origin: germline. Affected: yes.

Breakthrough Genomics
Classification: Benign. Review status: criteria provided, single submitter. Criteria: ACMG Guidelines, 2015. Collection method: not provided. Allele origin: germline. Inheritance: Autosomal recessive inheritance. Affected: yes.

Hdge Lab, Department of Biotechnology, Mizoram University
Classification: association for Gastric cancer. Last evaluated: 2026-03-26. Review status: no assertion criteria provided. Collection method: case-control. Allele origin: germline. Affected: yes. Observed: 20 variant alleles. Not counted in ClinVar's aggregate classification.
Comment: Variant identified in a case-control study of gastric cancer. Allele frequencies were compared between cases and controls. Although an increased odds ratio was observed (OR=1.218, 95% CI=0.579-2.262). This variant is classified as "association" based on preliminary case-control evidence.

Hdge Lab, Department of Biotechnology, Mizoram University
Classification: association for Triple-negative breast cancer. Last evaluated: 2026-03-26. Review status: no assertion criteria provided. Collection method: case-control. Allele origin: germline. Affected: yes. Observed: 5 variant alleles. Not counted in ClinVar's aggregate classification.
Comment: Variant identified in a case-control study of TNBC. Allele frequencies were compared between cases and controls. Although an increased odds ratio was observed (OR=2.5, 95% CI=0.389 – 16.049). This variant is classified as "association" based on preliminary case-control evidence.